The following is an entry in ClinVar:

NM_206933.4(USH2A):c.9202G>A (p.Val3068Met)

Gene: USH2A (usherin; minus strand). Cytogenetic location: 1q41.
Variant type: single nucleotide variant.
Coding change: c.9202G>A on transcript NM_206933.4 (MANE Select); coding-DNA position 9202, G replaced by A.
Protein change: p.Val3068Met; replaces valine 3068 with methionine.
Molecular consequence: missense variant.
Genome position (GRCh38, 1-based): chr1:215,844,350, C>T on the plus strand (G>A on the coding strand, the complement: USH2A is on the minus strand). VCF-style: chr1-215844350-C-T. GRCh37 (hg19) VCF-style: chr1-216017692-C-T.
Other names: c.9202G>A (NM_206933.2); short protein forms V3068M.
Identifiers: ClinVar variation 2166012 (VCV002166012.2), dbSNP rs2464606136, ClinGen allele CA344838648.

ClinVar aggregate classification (germline): Conflicting classifications of pathogenicity. Review status: criteria provided, conflicting classifications (1 of 4 stars). 2 submissions from 2 submitters: Uncertain significance (1); Likely benign (1). Last evaluated 2025-10-02.

Conditions:
Inborn genetic diseases. Identifiers: MedGen C0950123, MeSH D030342.

gnomAD v4.1: 1 of 1,613,804 alleles (0.000062%); no homozygotes.

Submissions (2):

Ambry Genetics
Classification: Likely benign for Inborn genetic diseases. Last evaluated: 2025-10-02. Review status: criteria provided, single submitter. Criteria: Ambry Variant Classification Scheme 2023. Collection method: clinical testing. Allele origin: germline.

Labcorp Genetics (formerly Invitae), Labcorp
Classification: Uncertain significance. Last evaluated: 2022-08-16. Review status: criteria provided, single submitter. Criteria: Invitae Variant Classification Sherloc (09022015). Collection method: clinical testing. Allele origin: germline.
Comment: This sequence change replaces valine, which is neutral and non-polar, with methionine, which is neutral and non-polar, at codon 3068 of the USH2A protein (p.Val3068Met). This variant is not present in population databases (gnomAD no frequency). This variant has not been reported in the literature in individuals affected with USH2A-related conditions. Algorithms developed to predict the effect of missense changes on protein structure and function output the following: SIFT: "Tolerated"; PolyPhen-2: "Benign"; Align-GVGD: "Class C0". The methionine amino acid residue is found in multiple mammalian species, which suggests that this missense change does not adversely affect protein function. In summary, the available evidence is currently insufficient to determine the role of this variant in disease. Therefore, it has been classified as a Variant of Uncertain Significance.